The following is an entry in ClinVar:

NM_017617.5(NOTCH1):c.4487G>A (p.Cys1496Tyr)

Gene: NOTCH1 (notch receptor 1; minus strand). Cytogenetic location: 9q34.3.
Variant type: single nucleotide variant.
Coding change: c.4487G>A on transcript NM_017617.5 (MANE Select); coding-DNA position 4487, G replaced by A.
Protein change: p.Cys1496Tyr; replaces cysteine 1496 with tyrosine.
Molecular consequence: missense variant.
Genome position (GRCh38, 1-based): chr9:136,505,409, C>T on the plus strand (G>A on the coding strand, the complement: NOTCH1 is on the minus strand). VCF-style: chr9-136505409-C-T. GRCh37 (hg19) VCF-style: chr9-139399861-C-T.
Other names: c.4487G>A, p.Cys1496Tyr (LRG_1122t1); short protein forms C1496Y.
Identifiers: ClinVar variation 156007 (VCV000156007.3), dbSNP rs587781259, ClinGen allele CA345933.

ClinVar aggregate classification (germline): Pathogenic/Likely pathogenic. Review status: criteria provided, multiple submitters, no conflicts (2 of 4 stars). 4 submissions from 4 submitters: Pathogenic (1); Likely pathogenic (2). 1 of the submissions does not count toward it. Last evaluated 2025-02-09.

Conditions:
Adams-Oliver syndrome 5 (AOS5). Identifiers: Orphanet 974, MedGen C4014970, MONDO:0014459, OMIM 616028.
Familial thoracic aortic aneurysm and aortic dissection (TAAD). Also called: Thoracic aortic aneurysms and dissections. Identifiers: Orphanet 91387, MedGen C4707243, MONDO:0019625.

Submissions (4):

Labcorp Genetics (formerly Invitae), Labcorp
Classification: Likely pathogenic for Adams-Oliver syndrome 5. Last evaluated: 2025-02-09. Review status: criteria provided, single submitter. Criteria: Invitae Variant Classification Sherloc (09022015). Collection method: clinical testing. Allele origin: germline.
Comment: This sequence change replaces cysteine, which is neutral and slightly polar, with tyrosine, which is neutral and polar, at codon 1496 of the NOTCH1 protein (p.Cys1496Tyr). This variant is not present in population databases (gnomAD no frequency). This missense change has been observed in individual(s) with Adams-Oliver syndrome (PMID: 25132448). In at least one individual the variant was observed to be de novo. ClinVar contains an entry for this variant (Variation ID: 156007). Invitae Evidence Modeling of protein sequence and biophysical properties (such as structural, functional, and spatial information, amino acid conservation, physicochemical variation, residue mobility, and thermodynamic stability) indicates that this missense variant is expected to disrupt NOTCH1 protein function with a positive predictive value of 80%. In summary, the currently available evidence indicates that the variant is pathogenic, but additional data are needed to prove that conclusively. Therefore, this variant has been classified as Likely Pathogenic.

Ambry Genetics
Classification: Likely pathogenic for Familial thoracic aortic aneurysm and aortic dissection. Last evaluated: 2024-12-17. Review status: criteria provided, single submitter. Criteria: Ambry Variant Classification Scheme 2023. Collection method: clinical testing. Allele origin: germline.
Comment: The p.C1496Y variant (also known as c.4487G>A), located in coding exon 25 of the NOTCH1 gene, results from a G to A substitution at nucleotide position 4487. The cysteine at codon 1496 is replaced by tyrosine, an amino acid with highly dissimilar properties. This variant was reported in individual(s) with features consistent with Adams-Oliver syndrome; in at least one individual, it was determined to be de novo (Stittrich AB et al. Am J Hum Genet, 2014 Sep;95:275-84; Braddock SR et al. Am J Med Genet A, 2015 Aug;167A:1685-740). This variant is considered to be rare based on population cohorts in the Genome Aggregation Database (gnomAD). This amino acid position is highly conserved in available vertebrate species. In addition, this alteration is predicted to be deleterious by in silico analysis. Based on the majority of available evidence to date, this variant is likely to be pathogenic.

ITMI
Classification: Pathogenic for Adams-Oliver syndrome 5. Review status: criteria provided, single submitter. Criteria: Submitter's publication. Collection method: research. Allele origin: de novo. Affected: yes.

OMIM
Classification: Pathogenic for ADAMS-OLIVER SYNDROME 5. Last evaluated: 2014-09-04. Review status: no assertion criteria provided. Collection method: literature only. Allele origin: germline. Not counted in ClinVar's aggregate classification.

Literature cited by the submitters: PubMed 25132448 (cited by 3 submitters); PubMed 26010070 (cited by Ambry Genetics).